The following is an entry in ClinVar:

ClinVar aggregate classification (germline): Uncertain significance (1 of 4 stars; one submission).

Conditions:
Ataxia-telangiectasia syndrome (AT). Also called: Ataxia-telangiectasia; LOUIS-BAR SYNDROME; Ataxia-telangiectasia, complementation group D; AT, COMPLEMENTATION GROUP C; ATAXIA-TELANGIECTASIA, COMPLEMENTATION GROUP A; ATAXIA-TELANGIECTASIA, FRESNO VARIANT. Identifiers: Orphanet 100, MedGen C0004135, MONDO:0008840, OMIM 208900.

Submission:

Labcorp Genetics (formerly Invitae), Labcorp
Classification: Uncertain significance for Ataxia-telangiectasia syndrome. Last evaluated: 2021-11-15. Review status: criteria provided, single submitter. Criteria: Invitae Variant Classification Sherloc (09022015). Collection method: clinical testing. Allele origin: germline.
Comment: In summary, the available evidence is currently insufficient to determine the role of this variant in disease. Therefore, it has been classified as a Variant of Uncertain Significance. Algorithms developed to predict the effect of missense changes on protein structure and function (SIFT, PolyPhen-2, Align-GVGD) all suggest that this variant is likely to be tolerated. This variant has not been reported in the literature in individuals affected with ATM-related conditions. This variant is not present in population databases (gnomAD no frequency). This sequence change replaces arginine, which is basic and polar, with leucine, which is neutral and non-polar, at codon 2691 of the ATM protein (p.Arg2691Leu).

NM_000051.4(ATM):c.8072G>T (p.Arg2691Leu)

Genes: ATM (ATM serine/threonine kinase; plus strand), C11orf65 (chromosome 11 open reading frame 65; minus strand). Cytogenetic location: 11q22.3.
Variant type: single nucleotide variant.
Coding change: c.8072G>T on transcript NM_000051.4 (MANE Select); coding-DNA position 8072, G replaced by T.
Protein change: p.Arg2691Leu; replaces arginine 2691 with leucine.
Molecular consequence: missense variant. On other transcripts: intron variant (2).
Genome position (GRCh38, 1-based): chr11:108,335,030, G>T. VCF-style: chr11-108335030-G-T. GRCh37 (hg19) VCF-style: chr11-108205757-G-T.
Other names: c.8072G>T, p.Arg2691Leu (NM_001351834.2); c.641-25959C>A (NM_001330368.2); c.*38+190C>A (NM_001351110.2); short protein forms R2691L.
Identifiers: ClinVar variation 1426261 (VCV001426261.7), dbSNP rs876658385, ClinGen allele CA382562003.
Genomic context (GRCh38, chr11:108,335,030, plus strand): 5'-TGGACCACACAGGAGAATATGGAAATCTGGTGACTATACAGTCATTTAAAGCAGAATTTC[G>T]CTTAGCAGGAGGTGTAAATTTACCAAAAATAATAGATTGTGTAGGTTCCGATGGCAAGGA-3'
Protein context (NP_000042.3, residues 2681-2701): VTIQSFKAEF[Arg2691Leu]LAGGVNLPKI